The following is an entry in ClinVar:

ClinVar aggregate classification (germline): Uncertain significance (1 of 4 stars; one submission).

Conditions:
Hereditary breast ovarian cancer syndrome. Also called: Breast and ovarian cancer; Hereditary breast and ovarian cancer; Hereditary breast and ovarian cancer syndrome; Hereditary breast and ovarian cancer syndrome (HBOC); BRCA1- and BRCA2-Associated Hereditary Breast and Ovarian Cancer; Hereditary breast and/or ovarian cancer syndrome. Identifiers: Orphanet 145, MedGen C0677776, MeSH D061325, MONDO:0003582. Disease mechanism: loss of function.

Submission:

German Consortium for Hereditary Breast and Ovarian Cancer, University Hospital Cologne
Classification: Uncertain significance for Hereditary breast ovarian cancer syndrome. Last evaluated: 2025-03-11. Review status: criteria provided, single submitter. Criteria: ACMG Guidelines, 2015. Collection method: curation. Allele origin: germline.
Comment: own RNA-Analysis not reliable; According to the ACMG SVI adaptation criteria we chose these criteria: PM2 (supporting pathogenic): absent from gnomAD v4.0, PP3 (supporting pathogenic): spliceAI: 0.46

NM_032043.3(BRIP1):c.918+4A>G

Gene: BRIP1 (BRCA1 interacting DNA helicase 1; minus strand). Cytogenetic location: 17q23.2.
Variant type: single nucleotide variant.
Coding change: c.918+4A>G on transcript NM_032043.3 (MANE Select); 4 bases into the intron after coding-DNA position 918, A replaced by G.
Molecular consequence: intron variant.
Genome position (GRCh38, 1-based): chr17:61,808,463, T>C on the plus strand (A>G on the coding strand, the complement: BRIP1 is on the minus strand). VCF-style: chr17-61808463-T-C. GRCh37 (hg19) VCF-style: chr17-59885824-T-C.
Identifiers: ClinVar variation 3775013 (VCV003775013.1).